The following is an entry in ClinVar:

ClinVar aggregate classification (germline): Likely benign. Review status: criteria provided, multiple submitters, no conflicts (2 of 4 stars). 2 submissions from 2 submitters: Likely benign (2). Last evaluated 2025-11-09.

Conditions:
Pitt-Hopkins syndrome (PTHS). Also called: ENCEPHALOPATHY, SEVERE EPILEPTIC, WITH AUTONOMIC DYSFUNCTION; MENTAL RETARDATION, SYNDROMAL, WITH INTERMITTENT HYPERVENTILATION. Identifiers: Orphanet 2896, MedGen C1970431, MONDO:0012589, OMIM 610954.

Allele frequency attached by ClinVar (database versions not stated): gnomAD exomes 0.00003 and 0.00020; gnomAD 0.00004 and 0.00005; TOPMed 0.00007; ExAC 0.00023; 1000 Genomes Project 30x 0.00031; 1000 Genomes Project 0.00040.
gnomAD v4.1: 51 of 1,613,236 alleles (0.0032%); highest among the groups gnomAD compares: East Asian, 0.11%; no homozygotes.

Submissions (2):

Labcorp Genetics (formerly Invitae), Labcorp
Classification: Likely benign for Pitt-Hopkins syndrome. Last evaluated: 2025-11-09. Review status: criteria provided, single submitter. Criteria: Invitae Variant Classification Sherloc (09022015). Collection method: clinical testing. Allele origin: germline.

GeneDx
Classification: Likely benign. Last evaluated: 2018-05-02. Review status: criteria provided, single submitter. Criteria: GeneDx Variant Classification (06012015). Collection method: clinical testing. Allele origin: germline. Affected: yes.
Comment: This variant is considered likely benign or benign based on one or more of the following criteria: it is a conservative change, it occurs at a poorly conserved position in the protein, it is predicted to be benign by multiple in silico algorithms, and/or has population frequency not consistent with disease.

NM_001083962.2(TCF4):c.240G>A (p.Met80Ile)

Genes: TCF4 (transcription factor 4; minus strand), TCF4-AS1 (TCF4 antisense RNA 1; plus strand). Cytogenetic location: 18q21.2.
Variant type: single nucleotide variant.
Coding change: c.240G>A on transcript NM_001083962.2 (MANE Select); coding-DNA position 240, G replaced by A.
Protein change: p.Met80Ile; replaces methionine 80 with isoleucine.
Molecular consequence: missense variant.
Genome position (GRCh38, 1-based): chr18:55,461,083, C>T on the plus strand (G>A on the coding strand, the complement: TCF4 is on the minus strand). VCF-style: chr18-55461083-C-T. GRCh37 (hg19) VCF-style: chr18-53128314-C-T.
Other names: c.168G>A, p.Met56Ile (NM_001369581.1, NM_001369582.1, NM_001369583.1 and 15 more transcripts); c.240G>A, p.Met80Ile (NM_003199.3, NM_001243228.2, NM_001330604.3 and 8 more transcripts); c.546G>A, p.Met182Ile (NM_001243226.3); c.234G>A, p.Met78Ile (NM_001243230.2); c.114G>A, p.Met38Ile (NM_001243231.2, NM_001348211.2); short protein forms M80I, M38I, M56I, M182I, M78I.
Identifiers: ClinVar variation 468956 (VCV000468956.13), dbSNP rs532294589, ClinGen allele CA8970614.
Genomic context (GRCh38, chr18:55,461,083, plus strand): 5'-TATTCTGGAATTGACAAAAGGTGGAGAGAGATTGTCATGTGACCCAAGGTCCCTGCTGGT[C>T]ATGTGGTCATAGGGAGTCCCATCTCCATAGTTCTGTAAATAAAATGACAGTGTAAGTTAT-3'
Protein context (NP_001077431.1, residues 70-90): NYGDGTPYDH[Met80Ile]TSRDLGSHDN